The following is an entry in ClinVar:

ClinVar aggregate classification (germline): Uncertain significance (1 of 4 stars; one submission).

gnomAD v4.1: 9 of 1,613,470 alleles (0.00056%); highest among the groups gnomAD compares: Admixed American, 0.0083%; no homozygotes.

Submission:

Ambry Genetics
Classification: Uncertain significance. Last evaluated: 2025-05-16. Review status: criteria provided, single submitter. Criteria: Ambry Variant Classification Scheme 2023. Collection method: clinical testing. Allele origin: germline.
Comment: The p.R2184H variant (also known as c.6551G>A), located in coding exon 28 of the WNK2 gene, results from a G to A substitution at nucleotide position 6551. The arginine at codon 2184 is replaced by histidine, an amino acid with highly similar properties. This amino acid position is conserved. In addition, this alteration is predicted to be tolerated by in silico analysis. Based on the available evidence, the clinical significance of this variant remains unclear.

NM_006648.4(WNK2):c.6551G>A (p.Arg2184His)

Gene: WNK2 (WNK lysine deficient protein kinase 2; plus strand). Cytogenetic location: 9q22.31.
Variant type: single nucleotide variant.
Coding change: c.6551G>A on transcript NM_006648.4 (MANE Select); coding-DNA position 6551, G replaced by A.
Protein change: p.Arg2184His; replaces arginine 2184 with histidine.
Molecular consequence: missense variant.
Genome position (GRCh38, 1-based): chr9:93,317,554, G>A. VCF-style: chr9-93317554-G-A. GRCh37 (hg19) VCF-style: chr9-96079836-G-A.
Other names: c.6662G>A, p.Arg2221His (NM_001282394.3); short protein forms R2184H, R2221H.
Identifiers: ClinVar variation 3470734 (VCV003470734.2).